The following is an entry in ClinVar:

NM_000152.5(GAA):c.2331+5G>C

Gene: GAA (alpha glucosidase; plus strand). Cytogenetic location: 17q25.3.
Variant type: single nucleotide variant.
Coding change: c.2331+5G>C on transcript NM_000152.5 (MANE Select); 5 bases into the intron after coding-DNA position 2331, G replaced by C.
Molecular consequence: intron variant.
Genome position (GRCh38, 1-based): chr17:80,117,114, G>C. VCF-style: chr17-80117114-G-C. GRCh37 (hg19) VCF-style: chr17-78090913-G-C.
Other names: c.2331+5G>C (NM_001406741.1, NM_001406742.1, NM_001079803.3 and 1 more transcripts).
Identifiers: ClinVar variation 4876385 (VCV004876385.1).

ClinVar aggregate classification (germline): Uncertain significance (1 of 4 stars; one submission).

Conditions:
Glycogen storage disease, type II (IOPD). Also called: Pompe Disease; CARDIOMEGALIA GLYCOGENICA DIFFUSA; GLYCOGENOSIS, GENERALIZED, CARDIAC FORM; GSD II; POMPE DISEASE, INFANTILE-ONSET; GLYCOGEN STORAGE DISEASE II, INFANTILE-ONSET. Identifiers: Orphanet 365, MedGen C0017921, MONDO:0009290, OMIM 232300.

Submission:

Genomenon, Inc
Classification: Uncertain significance for Glycogen storage disease, type II. Last evaluated: 2026-07-01. Review status: criteria provided, single submitter. Criteria: Genomenon Sequence Variant Interpretation Standards - Updated. Collection method: curation. Allele origin: germline. Affected: yes.
Comment: GAA c.2331+5G>C is an intronic variant located in the donor splice region of intron 16. This variant has been observed in at least one proband with a GAA-related disorder (PMID:31606152). It is absent or not present at a significant frequency in gnomAD. In silico models predict that this variant is possibly or probably damaging. In conclusion, we classify GAA c.2331+5G>C as a variant of uncertain significance.

Literature cited by the submitters: PubMed 31606152.